The following is an entry in ClinVar:

ClinVar aggregate classification (germline): Likely benign. Review status: criteria provided, multiple submitters, no conflicts (2 of 4 stars). 2 submissions from 2 submitters: Likely benign (2). Last evaluated 2024-04-18.

Allele frequency attached by ClinVar (database versions not stated): gnomAD exomes 0.00003 and 0.00005; gnomAD 0.00004; TOPMed 0.00004; ExAC 0.00005; 1000 Genomes Project 30x 0.00021; 1000 Genomes Project 0.00026.
gnomAD v4.1: 65 of 1,209,303 alleles (0.0054%); highest among the groups gnomAD compares: Middle Eastern, 0.83%; no homozygotes.

Submissions (2):

Blueprint Genetics
Classification: Likely benign. Last evaluated: 2024-04-18. Review status: criteria provided, single submitter. Criteria: ACMG Guidelines, 2015. Collection method: clinical testing. Allele origin: germline.

CeGaT Center for Human Genetics Tuebingen
Classification: Likely benign. Last evaluated: 2024-02-01. Review status: criteria provided, single submitter. Criteria: CeGaT Center For Human Genetics Tuebingen Variant Classification Criteria Version 2. Collection method: clinical testing. Allele origin: germline. Affected: yes. Observed: 2 variant alleles.
Comment: ZNF711: BP4, BP7, BS2

NM_001330574.2(ZNF711):c.42C>T (p.Asp14=)

Gene: ZNF711 (ZFX family zinc finger ZNF711; plus strand). Cytogenetic location: Xq21.1.
Variant type: single nucleotide variant.
Coding change: c.42C>T on transcript NM_001330574.2 (MANE Select); coding-DNA position 42, C replaced by T.
Protein change: p.Asp14=; no amino-acid change (aspartic acid 14 retained).
Molecular consequence: synonymous variant.
Genome position (GRCh38, 1-based): chrX:85,247,614, C>T. VCF-style: chrX-85247614-C-T. GRCh37 (hg19) VCF-style: chrX-84502620-C-T.
Other names: c.42C>T, p.Asp14= (NM_001375431.1, NM_001375432.1, NM_001375433.1 and 5 more transcripts).
Identifiers: ClinVar variation 1012666 (VCV001012666.39), dbSNP rs202062695, ClinGen allele CA10464565.